The following is an entry in ClinVar:

ClinVar aggregate classification (germline): Likely benign (1 of 4 stars; one submission).

Conditions:
ABCB4-related disorder. Also called: ABCB4-related disorders; ABCB4-related condition.

Submission:

PreventionGenetics, part of Exact Sciences
Classification: Likely benign for ABCB4-related condition. Last evaluated: 2025-03-28. Review status: criteria provided, single submitter. Criteria: ACMG Guidelines, 2015. Collection method: clinical testing. Allele origin: germline.
Comment: This variant is classified as likely benign based on ACMG/AMP sequence variant interpretation guidelines (Richards et al. 2015 PMID: 25741868, with internal and published modifications).

NM_000443.4(ABCB4):c.2637T>C (p.Ala879=)

Gene: ABCB4 (ATP binding cassette subfamily B member 4; minus strand). Cytogenetic location: 7q21.12.
Variant type: single nucleotide variant.
Coding change: c.2637T>C on transcript NM_000443.4 (MANE Select); coding-DNA position 2637, T replaced by C.
Protein change: p.Ala879=; no amino-acid change (alanine 879 retained).
Molecular consequence: synonymous variant.
Genome position (GRCh38, 1-based): chr7:87,417,357, A>G on the plus strand (T>C on the coding strand, the complement: ABCB4 is on the minus strand). VCF-style: chr7-87417357-A-G. GRCh37 (hg19) VCF-style: chr7-87046673-A-G.
Other names: c.2637T>C, p.Ala879= (NM_018849.3, NM_018850.3).
Identifiers: ClinVar variation 4984923 (VCV004984923.1).